The following is an entry in ClinVar:

ClinVar aggregate classification (germline): Uncertain significance (1 of 4 stars; one submission).

Submission:

Ambry Genetics
Classification: Uncertain significance. Last evaluated: 2024-09-21. Review status: criteria provided, single submitter. Criteria: Ambry Variant Classification Scheme 2023. Collection method: clinical testing. Allele origin: germline.
Comment: The p.S296R variant (also known as c.888C>A), located in coding exon 3 of the ALPK2 gene, results from a C to A substitution at nucleotide position 888. The serine at codon 296 is replaced by arginine, an amino acid with dissimilar properties. This amino acid position is conserved. In addition, this alteration is predicted to be tolerated by in silico analysis. Based on the available evidence, the clinical significance of this variant remains unclear.

NM_052947.4(ALPK2):c.888C>A (p.Ser296Arg)

Genes: ALPK2 (alpha kinase 2; minus strand), LOC114803473 (ALPK2 eExon liver enhancer; plus strand). Cytogenetic location: 18q21.31.
Variant type: single nucleotide variant.
Coding change: c.888C>A on transcript NM_052947.4 (MANE Select); coding-DNA position 888, C replaced by A.
Protein change: p.Ser296Arg; replaces serine 296 with arginine.
Molecular consequence: missense variant.
Genome position (GRCh38, 1-based): chr18:58,579,888, G>T on the plus strand (C>A on the coding strand, the complement: ALPK2 is on the minus strand). VCF-style: chr18-58579888-G-T. GRCh37 (hg19) VCF-style: chr18-56247120-G-T.
Other names: short protein forms S296R.
Identifiers: ClinVar variation 3531556 (VCV003531556.1).